The following is an entry in ClinVar:

ClinVar aggregate classification (germline): Uncertain significance (1 of 4 stars; one submission).

Submission:

GeneDx
Classification: Uncertain significance. Last evaluated: 2026-02-25. Review status: criteria provided, single submitter. Criteria: GeneDx Variant Classification Process June 2021. Collection method: clinical testing. Allele origin: germline.
Comment: Not observed at significant frequency in large population cohorts (gnomAD); In silico analysis suggests that this missense variant does not alter protein structure/function; Has not been previously published as pathogenic or benign to our knowledge

NM_004500.4(HNRNPC):c.707T>A (p.Val236Glu)

Gene: HNRNPC (heterogeneous nuclear ribonucleoprotein C; minus strand). Cytogenetic location: 14q11.2.
Variant type: single nucleotide variant.
Coding change: c.707T>A on transcript NM_004500.4 (MANE Select); coding-DNA position 707, T replaced by A.
Protein change: p.Val236Glu; replaces valine 236 with glutamic acid.
Molecular consequence: missense variant.
Genome position (GRCh38, 1-based): chr14:21,211,497, A>T on the plus strand (T>A on the coding strand, the complement: HNRNPC is on the minus strand). VCF-style: chr14-21211497-A-T. GRCh37 (hg19) VCF-style: chr14-21679656-A-T.
Other names: c.746T>A, p.Val249Glu (NM_001077442.2, NM_031314.3); c.707T>A, p.Val236Glu (NM_001077443.2); short protein forms V249E, V236E.
Identifiers: ClinVar variation 5008032 (VCV005008032.1).